The following is an entry in ClinVar:

ClinVar aggregate classification (germline): Likely benign. Review status: criteria provided, multiple submitters, no conflicts (2 of 4 stars). 3 submissions from 3 submitters: Likely benign (2). 1 of the submissions does not count toward it. Last evaluated 2024-09-10.

Conditions:
TBX3-related disorder. Also called: TBX3-related condition.

Allele frequency attached by ClinVar (database versions not stated): ESP Exome Variant Server 0.00016.
gnomAD v4.1: 299 of 1,612,300 alleles (0.019%); highest among the groups gnomAD compares: Non-Finnish European, 0.023%; 1 homozygote.

Submissions (3):

Blueprint Genetics
Classification: Likely benign. Last evaluated: 2024-09-10. Review status: criteria provided, single submitter. Criteria: ACMG Guidelines, 2015. Collection method: clinical testing. Allele origin: germline.

CeGaT Center for Human Genetics Tuebingen
Classification: Likely benign. Last evaluated: 2024-04-01. Review status: criteria provided, single submitter. Criteria: CeGaT Center For Human Genetics Tuebingen Variant Classification Criteria Version 2. Collection method: clinical testing. Allele origin: germline. Affected: yes. Observed: 1 variant allele.
Comment: TBX3: BP4, BP7

PreventionGenetics, part of Exact Sciences
Classification: Likely benign for TBX3-related condition. Last evaluated: 2021-08-03. Review status: no assertion criteria provided. Collection method: clinical testing. Allele origin: germline. Not counted in ClinVar's aggregate classification.
Comment: This variant is classified as likely benign based on ACMG/AMP sequence variant interpretation guidelines (Richards et al. 2015 PMID: 25741868, with internal and published modifications).

NM_005996.4(TBX3):c.96G>C (p.Ala32=)

Genes: TBX3 (T-box transcription factor 3; minus strand), TBX3-AS1 (TBX3 antisense RNA 1; plus strand). Cytogenetic location: 12q24.21.
Variant type: single nucleotide variant.
Coding change: c.96G>C on transcript NM_005996.4 (MANE Select); coding-DNA position 96, G replaced by C.
Protein change: p.Ala32=; no amino-acid change (alanine 32 retained).
Molecular consequence: synonymous variant.
Genome position (GRCh38, 1-based): chr12:114,683,105, C>G on the plus strand (G>C on the coding strand, the complement: TBX3 is on the minus strand). VCF-style: chr12-114683105-C-G. GRCh37 (hg19) VCF-style: chr12-115120910-C-G.
Other names: c.96G>C, p.Ala32= (NM_016569.4).
Identifiers: ClinVar variation 3038155 (VCV003038155.22), dbSNP rs140774817, ClinGen allele CA6810270.